The following is an entry in ClinVar:

ClinVar aggregate classification (germline): Uncertain significance (1 of 4 stars; one submission).

Conditions:
Familial adenomatous polyposis 1 (FAP1). Also called: FAMILIAL ADENOMATOUS POLYPOSIS 1, ATTENUATED; POLYPOSIS, ADENOMATOUS INTESTINAL. Identifiers: MedGen C2713442, MONDO:0021056, OMIM 175100. Disease mechanism: loss of function.

Submission:

Labcorp Genetics (formerly Invitae), Labcorp
Classification: Uncertain significance for Familial adenomatous polyposis 1. Last evaluated: 2024-03-28. Review status: criteria provided, single submitter. Criteria: Invitae Variant Classification Sherloc (09022015). Collection method: clinical testing. Allele origin: germline.
Comment: This sequence change replaces threonine, which is neutral and polar, with proline, which is neutral and non-polar, at codon 2017 of the APC protein (p.Thr2017Pro). This variant is not present in population databases (gnomAD no frequency). This variant has not been reported in the literature in individuals affected with APC-related conditions. Advanced modeling of protein sequence and biophysical properties (such as structural, functional, and spatial information, amino acid conservation, physicochemical variation, residue mobility, and thermodynamic stability) performed at Invitae indicates that this missense variant is not expected to disrupt APC protein function with a negative predictive value of 95%. In summary, the available evidence is currently insufficient to determine the role of this variant in disease. Therefore, it has been classified as a Variant of Uncertain Significance.

NM_000038.6(APC):c.6049A>C (p.Thr2017Pro)

Gene: APC (APC regulator of Wnt signaling pathway; plus strand). Cytogenetic location: 5q22.2.
Variant type: single nucleotide variant.
Coding change: c.6049A>C on transcript NM_000038.6 (MANE Select); coding-DNA position 6049, A replaced by C.
Protein change: p.Thr2017Pro; replaces threonine 2017 with proline.
Molecular consequence: missense variant. On other transcripts: non-coding transcript variant (2).
Genome position (GRCh38, 1-based): chr5:112,841,643, A>C. VCF-style: chr5-112841643-A-C. GRCh37 (hg19) VCF-style: chr5-112177340-A-C.
Other names: c.6049A>C, p.Thr2017Pro (NM_001127510.3, NM_001354895.2, NM_001407450.1); c.5995A>C, p.Thr1999Pro (NM_001127511.3); c.6103A>C, p.Thr2035Pro (NM_001354896.2, NM_001407447.1, NM_001407448.1 and 1 more transcripts); c.6079A>C, p.Thr2027Pro (NM_001354897.2); c.5974A>C, p.Thr1992Pro (NM_001354898.2); c.5965A>C, p.Thr1989Pro (NM_001354899.2); c.5926A>C, p.Thr1976Pro (NM_001354900.2); c.5872A>C, p.Thr1958Pro (NM_001354901.2, NM_001407453.1); and 11 more; short protein forms T1633P, T1891P, T1926P, T2007P, T1916P, T2045P, T1734P, T1958P.
Identifiers: ClinVar variation 3635494 (VCV003635494.2).
Genomic context (GRCh38, chr5:112,841,643, plus strand): 5'-GGAGAACCAAGTAAACCTCAAGCATCAGGCTATGCTCCTAAATCATTTCATGTTGAAGAT[A>C]CCCCAGTTTGTTTCTCAAGAAACAGTTCTCTCAGTTCTCTTAGTATTGACTCTGAAGATG-3'
Protein context (NP_000029.2, residues 2007-2027): YAPKSFHVED[Thr2017Pro]PVCFSRNSSL